The following is an entry in ClinVar:

NM_007294.4(BRCA1):c.110C>T (p.Thr37Ile)

Gene: BRCA1 (BRCA1 DNA repair associated; minus strand). Cytogenetic location: 17q21.31.
Variant type: single nucleotide variant.
Coding change: c.110C>T on transcript NM_007294.4 (MANE Select); coding-DNA position 110, C replaced by T.
Protein change: p.Thr37Ile; replaces threonine 37 with isoleucine.
Molecular consequence: missense variant. On other transcripts: non-coding transcript variant (1), intron variant (1).
Genome position (GRCh38, 1-based): chr17:43,115,750, G>A on the plus strand (C>T on the coding strand, the complement: BRCA1 is on the minus strand). VCF-style: chr17-43115750-G-A. GRCh37 (hg19) VCF-style: chr17-41267767-G-A.
Other names: c.110C>T, p.Thr37Ile (NM_001407661.1, NM_001407662.1, NM_001407663.1 and 192 more transcripts); c.-148C>T (NM_001407694.1, NM_001407696.1, NM_001407724.1 and 13 more transcripts); c.-152C>T (NM_001407695.1, NM_001408465.1); c.-32C>T (NM_001407697.1, NM_001407725.1, NM_001407728.1 and 47 more transcripts); c.-28C>T (NM_001407841.1); c.-79C>T (NM_001407853.1, NM_001407879.1, NM_001407882.1 and 52 more transcripts); c.-195C>T (NM_001407889.1, NM_001407900.1, NM_001408492.1); c.-194C>T (NM_001407960.1, NM_001407962.1, NM_001408510.1 and 1 more transcripts); and 2 more; short protein forms T37I.
Identifiers: ClinVar variation 868148 (VCV000868148.3), dbSNP rs80356880, ClinGen allele CA10601935.

Conditions:
Breast-ovarian cancer, familial, susceptibility to, 1 (BROVCA1). Also called: BRCA1 Hereditary Breast and Ovarian Cancer; OVARIAN CANCER, SUSCEPTIBILITY TO. Identifiers: Orphanet 145, MedGen C2676676, MONDO:0011450, OMIM 604370. Disease mechanism: loss of function.

gnomAD v4.1: 1 of 1,613,694 alleles (0.000062%); highest among the groups gnomAD compares: African/African-American, 0.0013%; no homozygotes.

Submission:

Brotman Baty Institute, University of Washington
No classification provided (evidence only). Condition: Breast-ovarian cancer, familial 1. Review status: no classification provided. Collection method: in vitro. Allele origin: not applicable. Functional consequence: function_uncertain_variant.
ClinVar note: "not provided" was previously submitted as the classification for the variant. However, the classification appeared to be based only on an observation of functional data so it was converted to no classification on 2025-07-30.